The following is an entry in ClinVar:

ClinVar aggregate classification (germline): Uncertain significance. Review status: criteria provided, single submitter (1 of 4 stars). 2 submissions from 2 submitters: Uncertain significance (1). 1 of the submissions does not count toward it. Last evaluated 2022-08-09.

Conditions:
Epilepsy, progressive myoclonic, 1B. Also called: PME. Identifiers: Orphanet 308, MedGen C2676254, MONDO:0012904, OMIM 612437.
Intellectual disability. Also called: Intellectual functioning disability; intellectual disabilities; Intellectual developmental disorder. Identifiers: MedGen C3714756, MeSH D008607, MONDO:0001071, HP:0001249.

Allele frequency attached by ClinVar (database versions not stated): ExAC 0.00001; TOPMed 0.00002; gnomAD 0.00002; gnomAD exomes 0.00001 and 0.00003.
gnomAD v4.1: 50 of 1,614,076 alleles (0.0031%); highest among the groups gnomAD compares: Non-Finnish European, 0.0038%; no homozygotes.

Submissions (2):

Labcorp Genetics (formerly Invitae), Labcorp
Classification: Uncertain significance for Epilepsy, progressive myoclonic, 1B. Last evaluated: 2022-08-09. Review status: criteria provided, single submitter. Criteria: Invitae Variant Classification Sherloc (09022015). Collection method: clinical testing. Allele origin: germline.
Comment: This sequence change replaces cysteine, which is neutral and slightly polar, with tyrosine, which is neutral and polar, at codon 16 of the PRICKLE1 protein (p.Cys16Tyr). This variant is present in population databases (rs746768839, gnomAD 0.008%). This variant has not been reported in the literature in individuals affected with PRICKLE1-related conditions. ClinVar contains an entry for this variant (Variation ID: 241997). Algorithms developed to predict the effect of missense changes on protein structure and function (SIFT, PolyPhen-2, Align-GVGD) all suggest that this variant is likely to be tolerated. In summary, the available evidence is currently insufficient to determine the role of this variant in disease. Therefore, it has been classified as a Variant of Uncertain Significance.

Centre de Biologie Pathologie Génétique, Centre Hospitalier Universitaire de Lille
Classification: Uncertain significance for Intellectual disability. Last evaluated: 2019-01-01. Review status: no assertion criteria provided. Collection method: clinical testing. Allele origin: unknown. Affected: yes. Not counted in ClinVar's aggregate classification.

NM_153026.3(PRICKLE1):c.47G>A (p.Cys16Tyr)

Gene: PRICKLE1 (prickle planar cell polarity protein 1; minus strand). Cytogenetic location: 12q12.
Variant type: single nucleotide variant.
Coding change: c.47G>A on transcript NM_153026.3 (MANE Select); coding-DNA position 47, G replaced by A.
Protein change: p.Cys16Tyr; replaces cysteine 16 with tyrosine.
Molecular consequence: missense variant.
Genome position (GRCh38, 1-based): chr12:42,472,470, C>T on the plus strand (G>A on the coding strand, the complement: PRICKLE1 is on the minus strand). VCF-style: chr12-42472470-C-T. GRCh37 (hg19) VCF-style: chr12-42866272-C-T.
Other names: c.47G>A, p.Cys16Tyr (NM_001144881.2, NM_001144882.2, NM_001144883.2); short protein forms C16Y.
Identifiers: ClinVar variation 241997 (VCV000241997.6), dbSNP rs746768839, ClinGen allele CA6520004.